The following is an entry in ClinVar:

ClinVar aggregate classification (germline): Benign. Review status: reviewed by expert panel (3 of 4 stars). 29 submissions from 29 submitters: Benign (1). 28 of the submissions do not count toward it. Last evaluated 2015-08-10.

Conditions:
Breast and/or ovarian cancer. Identifiers: MedGen CN221562.
Hereditary cancer-predisposing syndrome. Also called: Tumor predisposition; Neoplastic Syndromes, Hereditary; Hereditary neoplastic syndrome; Hereditary Cancer Syndrome. Identifiers: Orphanet 140162, MedGen C0027672, MeSH D009386, MONDO:0015356.
Hereditary breast ovarian cancer syndrome. Also called: BRCA1- and BRCA2-Associated Hereditary Breast and Ovarian Cancer; Hereditary breast and ovarian cancer syndrome (HBOC); Breast and ovarian cancer; Hereditary breast and ovarian cancer; Hereditary breast and/or ovarian cancer syndrome; Hereditary breast and ovarian cancer syndrome. Identifiers: Orphanet 145, MedGen C0677776, MeSH D061325, MONDO:0003582. Disease mechanism: loss of function.
Breast-ovarian cancer, familial, susceptibility to, 1 (BROVCA1). Also called: BRCA1 Hereditary Breast and Ovarian Cancer; OVARIAN CANCER, SUSCEPTIBILITY TO. Identifiers: Orphanet 145, MedGen C2676676, MONDO:0011450, OMIM 604370. Disease mechanism: loss of function.

Allele frequency attached by ClinVar (database versions not stated): gnomAD exomes 0.00021 and 0.00039; gnomAD 0.00145 and 0.00133; TOPMed 0.00176; ESP Exome Variant Server 0.00185; 1000 Genomes Project 30x 0.00219; ExAC 0.00051; 1000 Genomes Project 0.00160.
gnomAD v4.1: 531 of 1,614,162 alleles (0.033%); highest among the groups gnomAD compares: African/African-American, 0.47%; 1 homozygote.

Submissions 1 to 20 of 29:

Evidence-based Network for the Interpretation of Germline Mutant Alleles (ENIGMA)
Classification: Benign for Breast-ovarian cancer, familial 1. Last evaluated: 2015-08-10. Review status: reviewed by expert panel. Criteria: ENIGMA BRCA1/2 Classification Criteria (2015). Collection method: curation. Allele origin: germline.
Comment: IARC class based on posterior probability from multifactorial likelihood analysis, thresholds for class as per Plon et al. 2008 (PMID: 18951446). Class 1 based on posterior probability = 0.000000000074

Labcorp Genetics (formerly Invitae), Labcorp
Classification: Benign for Hereditary breast ovarian cancer syndrome. Last evaluated: 2026-02-03. Review status: criteria provided, single submitter. Criteria: Invitae Variant Classification Sherloc (09022015). Collection method: clinical testing. Allele origin: germline. Not counted in ClinVar's aggregate classification.

Dasa
Classification: Benign for Breast-ovarian cancer, familial, susceptibility to, 1. Last evaluated: 2025-11-11. Review status: criteria provided, single submitter. Criteria: DASA Assertion Criteria. Collection method: clinical testing. Allele origin: germline. Not counted in ClinVar's aggregate classification.
Comment: NM_007294.4(BRCA1):c.4600G>A (p.Val1534Met) is a missense variant that results in the substitution of valine with methionine. Population frequency is inconsistent with a disease-causing role for this variant, observations in unaffected individuals support a benign interpretation, and functional evidence is consistent with no deleterious impact on the gene or gene product. Therefore, based on the currently available evidence, this variant is classified as benign.

Center for Genomic Medicine, Rigshospitalet, Copenhagen University Hospital
Classification: Benign. Last evaluated: 2025-03-04. Review status: criteria provided, single submitter. Criteria: ACMG Guidelines, 2015. Collection method: clinical testing. Allele origin: germline. Not counted in ClinVar's aggregate classification.

ARUP Laboratories, Molecular Genetics and Genomics, ARUP Laboratories
Classification: Benign. Last evaluated: 2024-12-09. Review status: criteria provided, single submitter. Criteria: ARUP Molecular Germline Variant Investigation Process 2024. Collection method: clinical testing. Allele origin: germline. Not counted in ClinVar's aggregate classification.

Blueprint Genetics
Classification: Likely benign. Last evaluated: 2024-11-12. Review status: criteria provided, single submitter. Criteria: ACMG Guidelines, 2015. Collection method: clinical testing. Allele origin: germline. Not counted in ClinVar's aggregate classification.

Mendelics
Classification: Likely benign for Hereditary cancer-predisposing syndrome. Last evaluated: 2024-04-08. Review status: criteria provided, single submitter. Criteria: ACMG Guidelines, 2015. Collection method: clinical testing. Allele origin: unknown. Not counted in ClinVar's aggregate classification.

KCCC/NGS Laboratory, Kuwait Cancer Control Center
Classification: Benign for Breast-ovarian cancer, familial, susceptibility to, 1. Last evaluated: 2023-07-07. Review status: criteria provided, single submitter. Criteria: ACMG Guidelines, 2015. Collection method: clinical testing. Allele origin: germline. Affected: yes. Not counted in ClinVar's aggregate classification.

CeGaT Center for Human Genetics Tuebingen
Classification: Benign. Last evaluated: 2023-03-01. Review status: criteria provided, single submitter. Criteria: CeGaT Center For Human Genetics Tuebingen Variant Classification Criteria Version 2. Collection method: clinical testing. Allele origin: germline. Affected: yes. Observed: 2 variant alleles. Not counted in ClinVar's aggregate classification.
Comment: BRCA1: BP4, BS1, BS2

National Health Laboratory Service, Universitas Academic Hospital and University of the Free State
Classification: Benign for Hereditary breast ovarian cancer syndrome. Last evaluated: 2022-04-19. Review status: criteria provided, single submitter. Criteria: ACMG Guidelines, 2015. Collection method: clinical testing. Allele origin: germline. Affected: yes. Observed: 6 variant alleles. Not counted in ClinVar's aggregate classification.

Genetics Program, Instituto Nacional de Cancer
Classification: Likely benign for Hereditary breast ovarian cancer syndrome. Last evaluated: 2021-11-01. Review status: criteria provided, single submitter. Criteria: ACMG Guidelines, 2015. Collection method: research. Allele origin: germline. Affected: yes. Not counted in ClinVar's aggregate classification.

CHEO Genetics Diagnostic Laboratory, Children's Hospital of Eastern Ontario
Classification: Benign for Breast and/or ovarian cancer. Last evaluated: 2021-05-06. Review status: criteria provided, single submitter. Criteria: ACMG Guidelines, 2015. Collection method: clinical testing. Allele origin: germline. Not counted in ClinVar's aggregate classification.

Sema4
Classification: Benign for Hereditary cancer-predisposing syndrome. Last evaluated: 2020-10-23. Review status: criteria provided, single submitter. Criteria: Sema4 Curation Guidelines. Collection method: curation. Allele origin: germline. Not counted in ClinVar's aggregate classification.

PreventionGenetics, part of Exact Sciences
Classification: Benign. Last evaluated: 2017-01-10. Review status: criteria provided, single submitter. Criteria: ACMG Guidelines, 2015. Collection method: clinical testing. Allele origin: germline. Not counted in ClinVar's aggregate classification.

Molecular Genetics Laboratory, University of Michigan
Classification: Benign for Breast-ovarian cancer, familial, susceptibility to, 1. Last evaluated: 2016-04-21. Review status: criteria provided, single submitter. Criteria: ACMG Guidelines, 2015. Collection method: clinical testing. Allele origin: germline. Affected: yes. Not counted in ClinVar's aggregate classification.

Laboratory for Molecular Medicine, Mass General Brigham Personalized Medicine
Classification: Benign. Last evaluated: 2016-03-29. Review status: criteria provided, single submitter. Criteria: LMM Criteria. Collection method: clinical testing. Allele origin: germline. Not counted in ClinVar's aggregate classification.
Comment: Variant identified in a genome or exome case(s) and assessed due to predicted null impact of the variant or pathogenic assertions in the literature or databases. Disclaimer: This variant has not undergone full assessment. The following are preliminary notes: ExAC: 0.5% (52/10406) African chromosomes; ClinVar: 2 labs classify as LB; 5 papers describe as nonpathogenic

Color Diagnostics, LLC DBA Color Health
Classification: Benign for Hereditary cancer-predisposing syndrome. Last evaluated: 2015-10-15. Review status: criteria provided, single submitter. Criteria: ACMG Guidelines, 2015. Collection method: clinical testing. Allele origin: germline. Not counted in ClinVar's aggregate classification.

Clinical Genetics DNA and cytogenetics Diagnostics Lab, Erasmus MC, Erasmus Medical Center
Classification: Benign for Breast-ovarian cancer, familial, susceptibility to, 1. Last evaluated: 2015-09-21. Review status: criteria provided, single submitter. Criteria: ACGS Guidelines, 2013. Collection method: clinical testing. Allele origin: germline. Affected: yes. Study: VKGL Data-share Consensus. Not counted in ClinVar's aggregate classification.

Genetic Services Laboratory, University of Chicago
Classification: Likely benign. Last evaluated: 2015-09-02. Review status: criteria provided, single submitter. Criteria: ACMG Guidelines, 2015. Collection method: clinical testing. Allele origin: germline. Affected: no. Not counted in ClinVar's aggregate classification.

Ambry Genetics
Classification: Benign for Hereditary cancer-predisposing syndrome. Last evaluated: 2014-11-18. Review status: criteria provided, single submitter. Criteria: Ambry Variant Classification Scheme 2023. Collection method: clinical testing. Allele origin: germline. Not counted in ClinVar's aggregate classification.

NM_007294.4(BRCA1):c.4600G>A (p.Val1534Met)

Gene: BRCA1 (BRCA1 DNA repair associated; minus strand). Cytogenetic location: 17q21.31.
Variant type: single nucleotide variant.
Coding change: c.4600G>A on transcript NM_007294.4 (MANE Select); coding-DNA position 4600, G replaced by A.
Protein change: p.Val1534Met; replaces valine 1534 with methionine.
Molecular consequence: missense variant. On other transcripts: non-coding transcript variant (1).
Genome position (GRCh38, 1-based): chr17:43,074,406, C>T on the plus strand (G>A on the coding strand, the complement: BRCA1 is on the minus strand). VCF-style: chr17-43074406-C-T. GRCh37 (hg19) VCF-style: chr17-41226423-C-T.
Other names: 4719G>A; c.4387G>A, p.Val1463Met (NM_001407571.1, NM_001407899.1, NM_001407900.1 and 12 more transcripts); c.4666G>A, p.Val1556Met (NM_001407581.1, NM_001407582.1); c.4663G>A, p.Val1555Met (NM_001407583.1, NM_001407585.1, NM_001407587.1 and 1 more transcripts); c.4660G>A, p.Val1554Met (NM_001407590.1, NM_001407591.1); c.4600G>A, p.Val1534Met (NM_001407593.1, NM_001407594.1, NM_001407596.1 and 8 more transcripts); c.4597G>A, p.Val1533Met (NM_001407610.1, NM_001407611.1, NM_001407612.1 and 17 more transcripts); c.4594G>A, p.Val1532Met (NM_001407628.1, NM_001407629.1, NM_001407630.1 and 14 more transcripts); and 69 more; short protein forms V1534M, V1555M, V430M, V1487M, V1407M, V1421M, V1422M, V1486M.
Identifiers: ClinVar variation 55235 (VCV000055235.119), dbSNP rs55815649, ClinGen allele CA002923.